The following is an entry in ClinVar:

NM_006231.4(POLE):c.4477G>C (p.Ala1493Pro)

Gene: POLE (DNA polymerase epsilon, catalytic subunit; minus strand). Cytogenetic location: 12q24.33.
Variant type: single nucleotide variant.
Coding change: c.4477G>C on transcript NM_006231.4 (MANE Select); coding-DNA position 4477, G replaced by C.
Protein change: p.Ala1493Pro; replaces alanine 1493 with proline.
Molecular consequence: missense variant.
Genome position (GRCh38, 1-based): chr12:132,643,298, C>G on the plus strand (G>C on the coding strand, the complement: POLE is on the minus strand). VCF-style: chr12-132643298-C-G. GRCh37 (hg19) VCF-style: chr12-133219884-C-G.
Other names: short protein forms A1493P.
Identifiers: ClinVar variation 3225459 (VCV003225459.1), dbSNP rs748522633, ClinGen allele CA387380682.

ClinVar aggregate classification (germline): Uncertain significance (1 of 4 stars; one submission).

Conditions:
Hereditary cancer-predisposing syndrome. Also called: Neoplastic Syndromes, Hereditary; Tumor predisposition; Hereditary neoplastic syndrome; Hereditary Cancer Syndrome. Identifiers: Orphanet 140162, MedGen C0027672, MeSH D009386, MONDO:0015356.

Submission:

Ambry Genetics
Classification: Uncertain significance for Hereditary cancer-predisposing syndrome. Last evaluated: 2024-01-03. Review status: criteria provided, single submitter. Criteria: Ambry Variant Classification Scheme 2023. Collection method: clinical testing. Allele origin: germline.
Comment: The p.A1493P variant (also known as c.4477G>C), located in coding exon 35 of the POLE gene, results from a G to C substitution at nucleotide position 4477. The alanine at codon 1493 is replaced by proline, an amino acid with highly similar properties. This amino acid position is conserved. In addition, this alteration is predicted to be tolerated by in silico analysis. Since supporting evidence is limited at this time, the clinical significance of this alteration remains unclear.